The following is an entry in ClinVar:

ClinVar aggregate classification (germline): Uncertain significance (1 of 4 stars; one submission).

Conditions:
Autosomal recessive limb-girdle muscular dystrophy type 2A (LGMDR1). Also called: Muscular dystrophy, limb-girdle, type 2A, Amish; LEYDEN-MOEBIUS MUSCULAR DYSTROPHY; MUSCULAR DYSTROPHY, PELVOFEMORAL; Limb-girdle muscular dystrophy, type 2A; Calpainopathy. Identifiers: Orphanet 267, MedGen C1869123, MONDO:0009675, OMIM 253600. Disease mechanism: loss of function.

Submission:

Labcorp Genetics (formerly Invitae), Labcorp
Classification: Uncertain significance for Autosomal recessive limb-girdle muscular dystrophy type 2A. Last evaluated: 2024-11-11. Review status: criteria provided, single submitter. Criteria: Invitae Variant Classification Sherloc (09022015). Collection method: clinical testing. Allele origin: germline.
Comment: This sequence change falls in intron 13 of the CAPN3 gene. It does not directly change the encoded amino acid sequence of the CAPN3 protein. This variant is not present in population databases (gnomAD no frequency). This variant has not been reported in the literature in individuals affected with CAPN3-related conditions. Algorithms developed to predict the effect of sequence changes on RNA splicing suggest that this variant may disrupt the consensus splice site. In summary, the available evidence is currently insufficient to determine the role of this variant in disease. Therefore, it has been classified as a Variant of Uncertain Significance.

NM_000070.3(CAPN3):c.1746-8C>G

Gene: CAPN3 (calpain 3; plus strand). Cytogenetic location: 15q15.1.
Variant type: single nucleotide variant.
Coding change: c.1746-8C>G on transcript NM_000070.3 (MANE Select); 8 bases into the intron before coding-DNA position 1746, C replaced by G.
Molecular consequence: intron variant.
Genome position (GRCh38, 1-based): chr15:42,403,733, C>G. VCF-style: chr15-42403733-C-G. GRCh37 (hg19) VCF-style: chr15-42695931-C-G.
Other names: c.1746-8C>G (NM_024344.2); c.1602-8C>G (NM_173087.2); c.210-8C>G (NM_173088.2).
Identifiers: ClinVar variation 3691422 (VCV003691422.2).